The following is an entry in ClinVar:

NM_001242957.3(MAK):c.1284del (p.Phe428fs)

Gene: MAK (male germ cell associated kinase; minus strand). Cytogenetic location: 6p24.2.
Variant type: Deletion.
Coding change: c.1284del on transcript NM_001242957.3 (MANE Select); coding-DNA position 1284, one base deleted (T; older notation c.1284delT).
Protein change: p.Phe428fs; shifts the reading frame from phenylalanine 428.
Molecular consequence: frameshift variant. On other transcripts: non-coding transcript variant (2).
Genome position (GRCh38, 1-based): chr6:10,791,707, A deleted on the plus strand (T on the coding strand, the reverse complement: MAK is on the minus strand); the first of 5 consecutive A bases (chr6:10,791,707-10,791,711); deleting any one gives the same sequence. VCF-style (leftmost placement, unchanged base first): chr6-10791706-TA-T. GRCh37 (hg19) VCF-style: chr6-10791939-TA-T.
Other names: c.1284del, p.Phe428fs (NM_001242385.2, NM_005906.6); c.1182del, p.Phe394fs (NM_001377262.1); short protein forms F394fs, F428fs.
Identifiers: ClinVar variation 967127 (VCV000967127.7), dbSNP rs1775102736, ClinGen allele CA1139659430.
Genomic context (GRCh38, chr6:10,791,706, plus strand): 5'-ATATTTTTCTGAGGAATTTGAAATCTTACCGAAATGGAGAATCTTTTTTCCTTTTTTCTT[TA>T]AAAACACCCATGCTTGGCTTCTTGGAATGGGAGGCTCCGAAATCATAGTCCTCCAACTCT-3'

ClinVar aggregate classification (germline): Pathogenic (1 of 4 stars; one submission).

Submission:

Labcorp Genetics (formerly Invitae), Labcorp
Classification: Pathogenic. Last evaluated: 2024-02-05. Review status: criteria provided, single submitter. Criteria: Invitae Variant Classification Sherloc (09022015). Collection method: clinical testing. Allele origin: germline.
Comment: This sequence change creates a premature translational stop signal (p.Phe428Leufs*37) in the MAK gene. It is expected to result in an absent or disrupted protein product. Loss-of-function variants in MAK are known to be pathogenic (PMID: 21148103, 21825139, 24938718, 29781741). This variant is not present in population databases (gnomAD no frequency). This variant has not been reported in the literature in individuals affected with MAK-related conditions. ClinVar contains an entry for this variant (Variation ID: 967127). For these reasons, this variant has been classified as Pathogenic.

Literature cited by the submitters: PubMed 21148103; PubMed 21825139; PubMed 24938718; PubMed 29781741.